The following is an entry in ClinVar:

ClinVar aggregate classification (germline): Benign. Review status: criteria provided, multiple submitters, no conflicts (2 of 4 stars). 12 submissions from 11 submitters: Benign (11). 1 of the submissions does not count toward it. Last evaluated 2026-02-04.

Conditions:
Retinitis pigmentosa 39 (RP39). Identifiers: Orphanet 791, MedGen C3151138, MONDO:0013436, OMIM 613809.
Usher syndrome type 2A. Also called: RETINAL DISEASE IN USHER SYNDROME TYPE IIA, MODIFIER OF; USHER SYNDROME, TYPE IIA. Identifiers: Orphanet 231178, Orphanet 886, MedGen C1848634, MONDO:0010169, OMIM 276901.

Allele frequency attached by ClinVar (database versions not stated): gnomAD exomes 0.00459 and 0.01177; ExAC 0.01334; 1000 Genomes Project 0.03794; gnomAD 0.04056 and 0.04389; 1000 Genomes Project 30x 0.04169; ESP Exome Variant Server 0.04459; TOPMed 0.04681.
gnomAD v4.1: 13,292 of 1,614,098 alleles (0.82%); highest among the groups gnomAD compares: African/African-American, 13%; 725 homozygotes.

Submissions (12):

Labcorp Genetics (formerly Invitae), Labcorp
Classification: Benign. Last evaluated: 2026-02-04. Review status: criteria provided, single submitter. Criteria: Invitae Variant Classification Sherloc (09022015). Collection method: clinical testing. Allele origin: germline.

Women's Health and Genetics/Laboratory Corporation of America, LabCorp
Classification: Benign. Last evaluated: 2025-09-19. Review status: criteria provided, single submitter. Criteria: LabCorp Variant Classification Summary - May 2015. Collection method: clinical testing. Allele origin: germline.

ARUP Laboratories, Molecular Genetics and Genomics, ARUP Laboratories
Classification: Benign. Last evaluated: 2023-11-28. Review status: criteria provided, single submitter. Criteria: ARUP Molecular Germline Variant Investigation Process 2024. Collection method: clinical testing. Allele origin: germline.

Genome-Nilou Lab
Classification: Benign for Retinitis pigmentosa 39. Last evaluated: 2023-11-04. Review status: criteria provided, single submitter. Criteria: ACMG Guidelines, 2015. Collection method: clinical testing. Allele origin: germline. Affected: no.

Genome-Nilou Lab
Classification: Benign for Usher syndrome type 2A. Last evaluated: 2023-11-04. Review status: criteria provided, single submitter. Criteria: ACMG Guidelines, 2015. Collection method: clinical testing. Allele origin: germline. Affected: no.

Mayo Clinic Laboratories, Mayo Clinic
Classification: Benign. Last evaluated: 2022-05-20. Review status: criteria provided, single submitter. Criteria: ACMG Guidelines, 2015. Collection method: clinical testing. Allele origin: germline. Observed: 3 variant alleles.

Athena Diagnostics
Classification: Benign. Last evaluated: 2018-05-24. Review status: criteria provided, single submitter. Criteria: Athena Diagnostics Criteria. Collection method: clinical testing. Allele origin: germline.

GeneDx
Classification: Benign. Last evaluated: 2011-08-12. Review status: criteria provided, single submitter. Criteria: GeneDx Variant Classification (06012015). Collection method: clinical testing. Allele origin: germline. Affected: yes.
Comment: This variant is considered likely benign or benign based on one or more of the following criteria: it is a conservative change, it occurs at a poorly conserved position in the protein, it is predicted to be benign by multiple in silico algorithms, and/or has population frequency not consistent with disease.

Laboratory for Molecular Medicine, Mass General Brigham Personalized Medicine
Classification: Benign. Last evaluated: 2009-11-24. Review status: criteria provided, single submitter. Criteria: LMM Criteria. Collection method: clinical testing. Allele origin: germline. Observed: 61 variant alleles.

Breakthrough Genomics
Classification: Benign. Review status: criteria provided, single submitter. Criteria: ACMG Guidelines, 2015. Collection method: not provided. Allele origin: germline. Inheritance: Autosomal recessive inheritance. Affected: yes.

PreventionGenetics, part of Exact Sciences
Classification: Benign. Review status: criteria provided, single submitter. Criteria: ACMG Guidelines, 2015. Collection method: clinical testing. Allele origin: germline.

Natera, Inc.
Classification: Benign for Usher syndrome type 2A. Last evaluated: 2020-09-16. Review status: no assertion criteria provided. Collection method: clinical testing. Allele origin: germline. Not counted in ClinVar's aggregate classification.

NM_206933.4(USH2A):c.11907A>T (p.Pro3969=)

Gene: USH2A (usherin; minus strand). Cytogenetic location: 1q41.
Variant type: single nucleotide variant.
Coding change: c.11907A>T on transcript NM_206933.4 (MANE Select); coding-DNA position 11907, A replaced by T.
Protein change: p.Pro3969=; no amino-acid change (proline 3969 retained).
Molecular consequence: synonymous variant.
Genome position (GRCh38, 1-based): chr1:215,728,189, T>A on the plus strand (A>T on the coding strand, the complement: USH2A is on the minus strand). VCF-style: chr1-215728189-T-A. GRCh37 (hg19) VCF-style: chr1-215901531-T-A.
Other names: p.P3969P:CCA>CCT; p.Pro3969=.
Identifiers: ClinVar variation 48384 (VCV000048384.31), dbSNP rs61635304, ClinGen allele CA143273.